The following is an entry in ClinVar:

NM_000051.4(ATM):c.8215C>T (p.Leu2739=)

Genes: ATM (ATM serine/threonine kinase; plus strand), C11orf65 (chromosome 11 open reading frame 65; minus strand). Cytogenetic location: 11q22.3.
Variant type: single nucleotide variant.
Coding change: c.8215C>T on transcript NM_000051.4 (MANE Select); coding-DNA position 8215, C replaced by T.
Protein change: p.Leu2739=; no amino-acid change (leucine 2739 retained).
Molecular consequence: synonymous variant. On other transcripts: intron variant (2).
Genome position (GRCh38, 1-based): chr11:108,335,908, C>T. VCF-style: chr11-108335908-C-T. GRCh37 (hg19) VCF-style: chr11-108206635-C-T.
Other names: c.8215C>T, p.Leu2739= (NM_001351834.2); c.641-26837G>A (NM_001330368.2); c.695-616G>A (NM_001351110.2).
Identifiers: ClinVar variation 414610 (VCV000414610.15), dbSNP rs1060504311, ClinGen allele CA16613215.
Genomic context (GRCh38, chr11:108,335,908, plus strand): 5'-CGTGATGACCTGAGACAAGATGCTGTCATGCAACAGGTCTTCCAGATGTGTAATACATTA[C>T]TGCAGAGAAACACGGAAACTAGGAAGAGGAAATTAACTATCTGTACTTATAAGGTAACTA-3'
Protein context (NP_000042.3, residues 2729-2749): QQVFQMCNTL[Leu2739=]QRNTETRKRK

ClinVar aggregate classification (germline): Benign/Likely benign. Review status: criteria provided, multiple submitters, no conflicts (2 of 4 stars). 5 submissions from 5 submitters: Benign (1); Likely benign (4). Last evaluated 2026-07-12.

Conditions:
Hereditary cancer-predisposing syndrome. Also called: Neoplastic Syndromes, Hereditary; Hereditary Cancer Syndrome; Tumor predisposition; Hereditary neoplastic syndrome. Identifiers: Orphanet 140162, MedGen C0027672, MeSH D009386, MONDO:0015356.
Ataxia-telangiectasia syndrome (AT). Also called: LOUIS-BAR SYNDROME; Cerebello-oculocutaneous telangiectasia; Immunodeficiency with ataxia telangiectasia; Ataxia-telangiectasia, complementation group D; AT, COMPLEMENTATION GROUP C; Ataxia-telangiectasia, complementation group E. Identifiers: Orphanet 100, MedGen C0004135, MONDO:0008840, OMIM 208900.
Familial cancer of breast. Also called: Hereditary breast cancer; BREAST CANCER, FAMILIAL; hereditary breast carcinoma. Identifiers: Orphanet 227535, MedGen C0346153, MONDO:0016419, OMIM 114480. Disease mechanism: loss of function.

Submissions (5):

Ambry Genetics
Classification: Likely benign for Hereditary cancer-predisposing syndrome. Last evaluated: 2026-07-12. Review status: criteria provided, single submitter. Criteria: Ambry Variant Classification Scheme 2023. Collection method: clinical testing. Allele origin: germline.

Myriad Genetics, Inc.
Classification: Benign for Familial cancer of breast. Last evaluated: 2024-06-18. Review status: criteria provided, single submitter. Criteria: Myriad Autosomal Dominant, Autosomal Recessive and X-Linked Classification Criteria (2023). Collection method: clinical testing. Allele origin: unknown.
Comment: This variant is considered benign. This variant is a silent/synonymous amino acid change and it is not expected to impact splicing.

Labcorp Genetics (formerly Invitae), Labcorp
Classification: Likely benign for Ataxia-telangiectasia syndrome. Last evaluated: 2024-04-01. Review status: criteria provided, single submitter. Criteria: Invitae Variant Classification Sherloc (09022015). Collection method: clinical testing. Allele origin: germline.

Blueprint Genetics
Classification: Likely benign. Last evaluated: 2023-05-23. Review status: criteria provided, single submitter. Criteria: ACMG Guidelines, 2015. Collection method: clinical testing. Allele origin: germline.

Color Diagnostics, LLC DBA Color Health
Classification: Likely benign for Hereditary cancer-predisposing syndrome. Last evaluated: 2020-07-20. Review status: criteria provided, single submitter. Criteria: ACMG Guidelines, 2015. Collection method: clinical testing. Allele origin: germline.